The following is an entry in ClinVar:

ClinVar aggregate classification (germline): Uncertain significance (1 of 4 stars; one submission).

Conditions:
Nemaline myopathy 2 (NEM2). Also called: Nemaline myopathy 2, autosomal recessive. Identifiers: MedGen C1850569, MONDO:0009725, OMIM 256030.

Allele frequency attached by ClinVar (database versions not stated): TOPMed 0.00001.

Submission:

Labcorp Genetics (formerly Invitae), Labcorp
Classification: Uncertain significance for Nemaline myopathy 2. Last evaluated: 2022-08-06. Review status: criteria provided, single submitter. Criteria: Invitae Variant Classification Sherloc (09022015). Collection method: clinical testing. Allele origin: germline.
Comment: Algorithms developed to predict the effect of missense changes on protein structure and function are either unavailable or do not agree on the potential impact of this missense change (SIFT: "Deleterious"; PolyPhen-2: "Not Available"; Align-GVGD: "Class C0"). In summary, the available evidence is currently insufficient to determine the role of this variant in disease. Therefore, it has been classified as a Variant of Uncertain Significance. This sequence change replaces asparagine, which is neutral and polar, with threonine, which is neutral and polar, at codon 7258 of the NEB protein (p.Asn7258Thr). This variant is not present in population databases (gnomAD no frequency). This variant has not been reported in the literature in individuals affected with NEB-related conditions.

NM_001164508.2(NEB):c.21668A>C (p.Asn7223Thr)

Genes: NEB (nebulin; minus strand), RIF1 (replication timing regulatory factor 1; plus strand). Cytogenetic location: 2q23.3.
Variant type: single nucleotide variant.
Coding change: c.21668A>C on transcript NM_001164508.2 (MANE Select); coding-DNA position 21668, A replaced by C.
Protein change: p.Asn7223Thr; replaces asparagine 7223 with threonine.
Molecular consequence: missense variant.
Genome position (GRCh38, 1-based): chr2:151,529,277, T>G on the plus strand (A>C on the coding strand, the complement: NEB is on the minus strand). VCF-style: chr2-151529277-T-G. GRCh37 (hg19) VCF-style: chr2-152385791-T-G.
Other names: c.21668A>C, p.Asn7223Thr (NM_001164507.2); c.21773A>C, p.Asn7258Thr (NM_001271208.2); c.16565A>C, p.Asn5522Thr (NM_004543.5); short protein forms N5522T, N7223T, N7258T.
Identifiers: ClinVar variation 1715308 (VCV001715308.5), dbSNP rs960195692, ClinGen allele CA57631199.